The following is an entry in ClinVar:

NM_015631.6(TCTN3):c.615del (p.Ser206fs)

Gene: TCTN3 (tectonic family member 3; minus strand). Cytogenetic location: 10q24.1.
Variant type: Deletion.
Coding change: c.615del on transcript NM_015631.6 (MANE Select); coding-DNA position 615, one base deleted (A; older notation c.615delA).
Protein change: p.Ser206fs; shifts the reading frame from serine 206.
Molecular consequence: frameshift variant. On other transcripts: intron variant (1).
Genome position (GRCh38, 1-based): chr10:95,687,604, T deleted on the plus strand (A on the coding strand, the reverse complement: TCTN3 is on the minus strand). VCF-style (leftmost placement, unchanged base first): chr10-95687603-AT-A. GRCh37 (hg19) VCF-style: chr10-97447360-AT-A.
Other names: c.669delA, p.Ser224Leufs (NM_001013840.1); c.615del, p.Ser206fs (NM_001410982.1); c.500-445del (NM_001143973.2); c.615delA (NM_015631.6); short protein forms S206fs.
Identifiers: ClinVar variation 3063950 (VCV003063950.1), dbSNP rs2097949677, ClinGen allele CA931449139.

ClinVar aggregate classification (germline): Pathogenic (1 of 4 stars; one submission).

Conditions:
Joubert syndrome and related disorders. Identifiers: Orphanet 140874, MedGen C5679612, MONDO:0015369.

Allele frequency attached by ClinVar (database versions not stated): TOPMed below 0.00001; gnomAD 0.00001; gnomAD exomes 0.00001.

Submission:

Women's Health and Genetics/Laboratory Corporation of America, LabCorp
Classification: Pathogenic for Joubert syndrome and related disorders. Last evaluated: 2024-01-16. Review status: criteria provided, single submitter. Criteria: LabCorp Variant Classification Summary - May 2015. Collection method: clinical testing. Allele origin: germline.
Comment: Variant summary: TCTN3 c.615delA (p.Ser206LeufsX18) results in a premature termination codon, predicted to cause a truncation of the encoded protein or absence of the protein due to nonsense mediated decay, which are commonly known mechanisms for disease. The variant was absent in 250840 control chromosomes. To our knowledge, no occurrence of c.615delA in individuals affected with Joubert Syndrome And Related Disorders and no experimental evidence demonstrating its impact on protein function have been reported. No submitters have cited clinical-significance assessments for this variant to ClinVar. Based on the evidence outlined above, the variant was classified as pathogenic.